The following is an entry in ClinVar:

NM_198525.3(KIF7):c.1248del (p.Asp417fs)

Gene: KIF7 (kinesin family member 7; minus strand). Cytogenetic location: 15q26.1.
Variant type: Deletion.
Coding change: c.1248del on transcript NM_198525.3 (MANE Select); coding-DNA position 1248, one base deleted (C; older notation c.1248delC).
Protein change: p.Asp417fs; shifts the reading frame from aspartic acid 417.
Molecular consequence: frameshift variant.
Genome position (GRCh38, 1-based): chr15:89,648,450, G deleted on the plus strand (C on the coding strand, the reverse complement: KIF7 is on the minus strand); the first of 2 consecutive G bases (chr15:89,648,450-89,648,451); deleting either gives the same sequence. VCF-style (leftmost placement, unchanged base first): chr15-89648449-CG-C. GRCh37 (hg19) VCF-style: chr15-90191680-CG-C.
Other names: c.1248delC (NM_198525.2); short protein forms D417fs.
Identifiers: ClinVar variation 1380985 (VCV001380985.8), dbSNP rs1253153154, ClinGen allele CA716937747.

ClinVar aggregate classification (germline): Pathogenic/Likely pathogenic. Review status: criteria provided, multiple submitters, no conflicts (2 of 4 stars). 3 submissions from 3 submitters: Pathogenic (1); Likely pathogenic (2). Last evaluated 2026-09-17.

Conditions:
Acrocallosal syndrome (ACLS). Also called: HALLUX DUPLICATION, POSTAXIAL POLYDACTYLY, AND ABSENCE OF CORPUS CALLOSUM; Schinzel syndrome 1; Absence of corpus callosum with unusual facial appearance, mental deficiency, duplication of the halluces and polydactyly. Identifiers: Orphanet 36, MedGen C0796147, MONDO:0008708, OMIM 200990.
Multiple epiphyseal dysplasia, Al-Gazali type. Also called: Macrocephaly with multiple epiphyseal dysplasia and distinctive facies. Identifiers: Orphanet 166024, MedGen C1846722, MONDO:0011778, OMIM 607131.
Hydrolethalus syndrome 2 (HLS2). Identifiers: Orphanet 2189, MedGen C3279899, MONDO:0013585, OMIM 614120.
KIF7-related disorder. Also called: KIF7-related condition.

Submissions (3):

PreventionGenetics, part of Exact Sciences
Classification: Likely pathogenic for KIF7-related condition. Last evaluated: 2026-09-17. Review status: criteria provided, single submitter. Criteria: ACMG Guidelines, 2015. Collection method: clinical testing. Allele origin: germline.
Comment: The KIF7 c.1248delC variant is predicted to result in a frameshift and premature protein termination (p.Asp417Thrfs*38). To our knowledge, this variant has not been reported in the literature or in a large population database, indicating this variant is rare. Frameshift variants in KIF7 are expected to be pathogenic. This variant is interpreted as likely pathogenic.

Fulgent Genetics
Classification: Likely pathogenic for Acrocallosal syndrome; Multiple epiphyseal dysplasia, Al-Gazali type; Hydrolethalus syndrome 2. Last evaluated: 2024-06-14. Review status: criteria provided, single submitter. Criteria: ACMG Guidelines, 2015. Collection method: clinical testing. Allele origin: germline.

Labcorp Genetics (formerly Invitae), Labcorp
Classification: Pathogenic for Acrocallosal syndrome. Last evaluated: 2024-05-06. Review status: criteria provided, single submitter. Criteria: Invitae Variant Classification Sherloc (09022015). Collection method: clinical testing. Allele origin: germline.
Comment: This sequence change creates a premature translational stop signal (p.Asp417Thrfs*38) in the KIF7 gene. It is expected to result in an absent or disrupted protein product. Loss-of-function variants in KIF7 are known to be pathogenic (PMID: 19666503, 21552264, 21633164, 26648833). This variant is not present in population databases (gnomAD no frequency). This variant has not been reported in the literature in individuals affected with KIF7-related conditions. ClinVar contains an entry for this variant (Variation ID: 1380985). For these reasons, this variant has been classified as Pathogenic.

Literature cited by the submitters: PubMed 19666503 (cited by Labcorp Genetics (formerly Invitae), Labcorp); PubMed 21552264 (cited by Labcorp Genetics (formerly Invitae), Labcorp); PubMed 21633164 (cited by Labcorp Genetics (formerly Invitae), Labcorp); PubMed 26648833 (cited by Labcorp Genetics (formerly Invitae), Labcorp).